The following is an entry in ClinVar:

ClinVar aggregate classification (germline): Conflicting classifications of pathogenicity. Review status: criteria provided, conflicting classifications (1 of 4 stars). 3 submissions from 3 submitters: Uncertain significance (2); Likely benign (1). Last evaluated 2025-10-18.

Conditions:
STING-associated vasculopathy with onset in infancy. Also called: Sting-associated vasculopathy, infantile-onset. Identifiers: Orphanet 425120, MedGen C4014722, MONDO:0014405, OMIM 615934.
Inborn genetic diseases. Identifiers: MedGen C0950123, MeSH D030342.
Autoinflammatory syndrome. Identifiers: Orphanet 93665, MedGen C3890737, MONDO:0019751.

Submissions (3):

Labcorp Genetics (formerly Invitae), Labcorp
Classification: Uncertain significance for STING-associated vasculopathy with onset in infancy. Last evaluated: 2025-10-18. Review status: criteria provided, single submitter. Criteria: Invitae Variant Classification Sherloc (09022015). Collection method: clinical testing. Allele origin: germline.
Comment: This sequence change replaces arginine, which is basic and polar, with histidine, which is basic and polar, at codon 375 of the TMEM173 protein (p.Arg375His). This variant is present in population databases (rs117897081, gnomAD 0.03%). This variant has not been reported in the literature in individuals affected with TMEM173-related conditions. ClinVar contains an entry for this variant (Variation ID: 1680234). An algorithm developed to predict the effect of missense changes on protein structure and function (PolyPhen-2) suggests that this variant is likely to be disruptive. In summary, the available evidence is currently insufficient to determine the role of this variant in disease. Therefore, it has been classified as a Variant of Uncertain Significance.

Ambry Genetics
Classification: Uncertain significance for Inborn genetic diseases. Last evaluated: 2024-06-10. Review status: criteria provided, single submitter. Criteria: Ambry Variant Classification Scheme 2023. Collection method: clinical testing. Allele origin: germline.

Genome Diagnostics Laboratory, The Hospital for Sick Children
Classification: Likely benign for Autoinflammatory syndrome. Last evaluated: 2022-04-19. Review status: criteria provided, single submitter. Criteria: ACMG Guidelines, 2015. Collection method: clinical testing. Allele origin: germline. Affected: yes.

NM_198282.4(STING1):c.1124G>A (p.Arg375His)

Gene: STING1 (stimulator of interferon response cGAMP interactor 1; minus strand). Cytogenetic location: 5q31.2.
Variant type: single nucleotide variant.
Coding change: c.1124G>A on transcript NM_198282.4 (MANE Select); coding-DNA position 1124, G replaced by A.
Protein change: p.Arg375His; replaces arginine 375 with histidine.
Molecular consequence: missense variant. On other transcripts: 3 prime UTR variant (1).
Genome position (GRCh38, 1-based): chr5:139,476,277, C>T on the plus strand (G>A on the coding strand, the complement: STING1 is on the minus strand). VCF-style: chr5-139476277-C-T. GRCh37 (hg19) VCF-style: chr5-138855862-C-T.
Other names: c.767G>A, p.Arg256His (NM_001367258.1); c.*85G>A (NM_001301738.2); c.1124G>A (NM_198282.2); short protein forms R256H, R375H.
Identifiers: ClinVar variation 1680234 (VCV001680234.12), dbSNP rs117897081, ClinGen allele CA3435228.
Genomic context (GRCh38, chr5:139,476,277, plus strand): 5'-AGGCTTGGAGACCACTGGAGGCTCTGGCCTGGTGACCCTGGGTCTCAAGAGAAATCCGTG[C>T]GGAGAGGGAGGGGCTTTTCCATTCCACTGATGAGGAGCTCAGGCTCTTGGGACATCGTGG-3'
Protein context (NP_938023.1, residues 365-379): ISGMEKPLPL[Arg375His]TDFS